The following is an entry in ClinVar:

NM_006017.3(PROM1):c.1768C>T (p.His590Tyr)

Gene: PROM1 (prominin 1; minus strand). Cytogenetic location: 4p15.32.
Variant type: single nucleotide variant.
Coding change: c.1768C>T on transcript NM_006017.3 (MANE Select); coding-DNA position 1768, C replaced by T.
Protein change: p.His590Tyr; replaces histidine 590 with tyrosine.
Molecular consequence: missense variant.
Genome position (GRCh38, 1-based): chr4:15,992,391, G>A on the plus strand (C>T on the coding strand, the complement: PROM1 is on the minus strand). VCF-style: chr4-15992391-G-A. GRCh37 (hg19) VCF-style: chr4-15994014-G-A.
Other names: c.1741C>T, p.His581Tyr (NM_001145847.2, NM_001145848.2, NM_001145851.2 and 4 more transcripts); c.1768C>T, p.His590Tyr (NM_001145849.2, NM_001145850.2); short protein forms H581Y, H590Y.
Identifiers: ClinVar variation 1421469 (VCV001421469.8), dbSNP rs2149123828, ClinGen allele CA356431069.

ClinVar aggregate classification (germline): Uncertain significance (1 of 4 stars; one submission).

gnomAD v4.1: 3 of 1,610,086 alleles (0.00019%); highest among the groups gnomAD compares: Non-Finnish European, 0.00017%; no homozygotes.

Submission:

Labcorp Genetics (formerly Invitae), Labcorp
Classification: Uncertain significance. Last evaluated: 2022-02-02. Review status: criteria provided, single submitter. Criteria: Invitae Variant Classification Sherloc (09022015). Collection method: clinical testing. Allele origin: germline.
Comment: This variant is not present in population databases (gnomAD no frequency). This sequence change replaces histidine, which is basic and polar, with tyrosine, which is neutral and polar, at codon 590 of the PROM1 protein (p.His590Tyr). This variant has not been reported in the literature in individuals affected with PROM1-related conditions. Algorithms developed to predict the effect of missense changes on protein structure and function output the following: SIFT: "Tolerated"; PolyPhen-2: "Benign"; Align-GVGD: "Class C0". The tyrosine amino acid residue is found in multiple mammalian species, which suggests that this missense change does not adversely affect protein function. In summary, the available evidence is currently insufficient to determine the role of this variant in disease. Therefore, it has been classified as a Variant of Uncertain Significance.